The following is an entry in ClinVar:

NM_006186.4(NR4A2):c.581T>C (p.Phe194Ser)

Gene: NR4A2 (nuclear receptor subfamily 4 group A member 2; minus strand). Cytogenetic location: 2q24.1.
Variant type: single nucleotide variant.
Coding change: c.581T>C on transcript NM_006186.4 (MANE Select); coding-DNA position 581, T replaced by C.
Protein change: p.Phe194Ser; replaces phenylalanine 194 with serine.
Molecular consequence: missense variant.
Genome position (GRCh38, 1-based): chr2:156,329,606, A>G on the plus strand (T>C on the coding strand, the complement: NR4A2 is on the minus strand). VCF-style: chr2-156329606-A-G. GRCh37 (hg19) VCF-style: chr2-157186118-A-G.
Other names: c.392T>C, p.Phe131Ser (NM_173173.3); short protein forms F131S, F194S.
Identifiers: ClinVar variation 3603220 (VCV003603220.1).
Genomic context (GRCh38, chr2:156,329,606, plus strand): 5'-TCCACCACGTGGTGGCTGCCGGCGGGCTCCGGGTTCATGGGGACGTGCAGGGGCCCGTCG[A>G]AGCGCATCTGGCAACTAGACACCGGGGTGCCAGGGGGCGATTGCTTAAAGGAGAAGAGGG-3'
Protein context (NP_006177.1, residues 184-204): GTPVSSCQMR[Phe194Ser]DGPLHVPMNP

ClinVar aggregate classification (germline): Uncertain significance (1 of 4 stars; one submission).

gnomAD v4.1: 3 of 1,610,188 alleles (0.00019%); highest among the groups gnomAD compares: Non-Finnish European, 0.00025%; no homozygotes.

Submission:

GeneDx
Classification: Uncertain significance. Last evaluated: 2024-08-05. Review status: criteria provided, single submitter. Criteria: GeneDx Variant Classification Process June 2021. Collection method: clinical testing. Allele origin: germline. Affected: yes.
Comment: Not observed at significant frequency in large population cohorts (gnomAD); In silico analysis indicates that this missense variant does not alter protein structure/function; Has not been previously published as pathogenic or benign to our knowledge